The following is an entry in ClinVar:

NM_001042492.3(NF1):c.421G>A (p.Val141Ile)

Gene: NF1 (neurofibromin 1; plus strand). Cytogenetic location: 17q11.2.
Variant type: single nucleotide variant.
Coding change: c.421G>A on transcript NM_001042492.3 (MANE Select); coding-DNA position 421, G replaced by A.
Protein change: p.Val141Ile; replaces valine 141 with isoleucine.
Molecular consequence: missense variant.
Genome position (GRCh38, 1-based): chr17:31,163,318, G>A. VCF-style: chr17-31163318-G-A. GRCh37 (hg19) VCF-style: chr17-29490336-G-A.
Other names: c.421G>A, p.Val141Ile (NM_000267.4, NM_001128147.3); short protein forms V141I.
Identifiers: ClinVar variation 1421690 (VCV001421690.9), dbSNP rs2143672914, ClinGen allele CA398981911.

ClinVar aggregate classification (germline): Uncertain significance. Review status: criteria provided, multiple submitters, no conflicts (2 of 4 stars). 2 submissions from 2 submitters: Uncertain significance (2). Last evaluated 2025-11-20.

Conditions:
Neurofibromatosis, type 1 (NF1). Also called: VON RECKLINGHAUSEN DISEASE; NEUROFIBROMATOSIS, TYPE I, SOMATIC; Neurofibromatosis, type I; Peripheral type neurofibromatosis. Identifiers: Orphanet 636, MedGen C0027831, MONDO:0018975, OMIM 162200. Disease mechanism: loss of function.
Cardiovascular phenotype. Identifiers: MedGen CN230736.
Hereditary cancer-predisposing syndrome. Also called: Hereditary neoplastic syndrome; Tumor predisposition; Hereditary Cancer Syndrome; Neoplastic Syndromes, Hereditary. Identifiers: Orphanet 140162, MedGen C0027672, MeSH D009386, MONDO:0015356.

Allele frequency attached by ClinVar (database versions not stated): gnomAD exomes below 0.00001.
gnomAD v4.1: 3 of 1,614,090 alleles (0.00019%); highest among the groups gnomAD compares: African/African-American, 0.0013%; no homozygotes.

Submissions (2):

Ambry Genetics
Classification: Uncertain significance for Cardiovascular phenotype; Hereditary cancer-predisposing syndrome. Last evaluated: 2025-11-20. Review status: criteria provided, single submitter. Criteria: Ambry Variant Classification Scheme 2023. Collection method: clinical testing. Allele origin: germline.
Comment: The p.V141I variant (also known as c.421G>A), located in coding exon 4 of the NF1 gene, results from a G to A substitution at nucleotide position 421. The valine at codon 141 is replaced by isoleucine, an amino acid with highly similar properties. This amino acid position is conserved. In addition, the in silico prediction for this alteration is inconclusive. Based on the available evidence, the clinical significance of this variant remains unclear.

Labcorp Genetics (formerly Invitae), Labcorp
Classification: Uncertain significance for Neurofibromatosis, type 1. Last evaluated: 2021-06-30. Review status: criteria provided, single submitter. Criteria: Invitae Variant Classification Sherloc (09022015). Collection method: clinical testing. Allele origin: germline.
Comment: In summary, the available evidence is currently insufficient to determine the role of this variant in disease. Therefore, it has been classified as a Variant of Uncertain Significance. Algorithms developed to predict the effect of missense changes on protein structure and function are either unavailable or do not agree on the potential impact of this missense change (SIFT: "Tolerated"; PolyPhen-2: "Probably Damaging"; Align-GVGD: "Class C0"). This sequence change replaces valine with isoleucine at codon 141 of the NF1 protein (p.Val141Ile). The valine residue is moderately conserved and there is a small physicochemical difference between valine and isoleucine. This variant is not present in population databases (ExAC no frequency). This variant has not been reported in the literature in individuals affected with NF1-related conditions.